The following is an entry in ClinVar:

ClinVar aggregate classification (germline): Uncertain significance (1 of 4 stars; one submission).

gnomAD v4.1: 5 of 1,550,412 alleles (0.00032%); highest among the groups gnomAD compares: Non-Finnish European, 0.00044%; no homozygotes.

Submission:

Women's Health and Genetics/Laboratory Corporation of America, LabCorp
Classification: Uncertain significance. Last evaluated: 2026-04-21. Review status: criteria provided, single submitter. Criteria: LabCorp Variant Classification Summary - May 2015. Collection method: clinical testing. Allele origin: germline.
Comment: Variant summary: ZNF469 c.10631C>T (p.Pro3544Leu) results in a non-conservative amino acid change in the encoded protein sequence. Algorithms developed to predict the effect of missense changes on protein structure and function are either unavailable or do not agree on the potential impact of this missense change. The variant allele was found at a frequency of 6.5e-06 in 153712 control chromosomes. The available data on variant occurrences in the general population are insufficient to allow any conclusion about variant significance. To our knowledge, no occurrence of c.10631C>T in individuals affected with ZNF469-related conditions and no experimental evidence demonstrating its impact on protein function have been reported. No submitters have cited clinical-significance assessments for this variant to ClinVar. Based on the evidence outlined above, the variant was classified as uncertain significance.

NM_001367624.2(ZNF469):c.10631C>T (p.Pro3544Leu)

Gene: ZNF469 (zinc finger protein 469; plus strand). Cytogenetic location: 16q24.2.
Variant type: single nucleotide variant.
Coding change: c.10631C>T on transcript NM_001367624.2 (MANE Select); coding-DNA position 10631, C replaced by T.
Protein change: p.Pro3544Leu; replaces proline 3544 with leucine.
Molecular consequence: missense variant.
Genome position (GRCh38, 1-based): chr16:88,438,101, C>T. VCF-style: chr16-88438101-C-T. GRCh37 (hg19) VCF-style: chr16-88504509-C-T.
Other names: short protein forms P3544L.
Identifiers: ClinVar variation 4849180 (VCV004849180.1).